The following is an entry in ClinVar:

NM_004656.4(BAP1):c.31G>C (p.Asp11His)

Gene: BAP1 (BRCA1 associated deubiquitinase 1; minus strand). Cytogenetic location: 3p21.1.
Variant type: single nucleotide variant.
Coding change: c.31G>C on transcript NM_004656.4 (MANE Select); coding-DNA position 31, G replaced by C.
Protein change: p.Asp11His; replaces aspartic acid 11 with histidine.
Molecular consequence: missense variant.
Genome position (GRCh38, 1-based): chr3:52,409,848, C>G on the plus strand (G>C on the coding strand, the complement: BAP1 is on the minus strand). VCF-style: chr3-52409848-C-G. GRCh37 (hg19) VCF-style: chr3-52443864-C-G.
Other names: short protein forms D11H.
Identifiers: ClinVar variation 823162 (VCV000823162.6), dbSNP rs1578231322, ClinGen allele CA353115058.

ClinVar aggregate classification (germline): Likely pathogenic (1 of 4 stars; one submission).

Conditions:
Hereditary cancer-predisposing syndrome. Also called: Tumor predisposition; Hereditary neoplastic syndrome; Neoplastic Syndromes, Hereditary; Hereditary Cancer Syndrome. Identifiers: Orphanet 140162, MedGen C0027672, MeSH D009386, MONDO:0015356.

Submission:

Ambry Genetics
Classification: Likely pathogenic for Hereditary cancer-predisposing syndrome. Last evaluated: 2026-06-23. Review status: criteria provided, single submitter. Criteria: Ambry Variant Classification Scheme 2023. Collection method: clinical testing. Allele origin: germline.
Comment: The p.D11H variant (also known as c.31G>C), located in coding exon 1 of the BAP1 gene, results from a G to C substitution at nucleotide position 31. The aspartic acid at codon 11 is replaced by histidine, an amino acid with similar properties. This variant has been observed in at least one individual with a personal and/or family history that is consistent with BAP1-associated disease (Ambry internal data). This alteration was non-functional in a high throughput genome editing haploid cell survival assay (Waters AJ et al. Nat Genet, 2024 Jul;56:1434-1445).This amino acid position is highly conserved in available vertebrate species. In addition, this alteration is predicted to be deleterious by in silico analysis. Based on the majority of available evidence to date, this variant is likely to be pathogenic.

Literature cited by the submitters: PubMed 38969833.